The following is an entry in ClinVar:

ClinVar aggregate classification (germline): Uncertain significance (1 of 4 stars; one submission).

Conditions:
Malignant hyperthermia, susceptibility to, 1 (MHS1). Also called: Anesthesia related hyperthermia; Malignant hyperpyrexia; Fulminating hyperpyrexia; Pharmacogenic myopathy; RYR1-Related Malignant Hyperthermia Susceptibility; Malignant hyperthermia suceptibility 1. Identifiers: Orphanet 423, MedGen C2930980, MONDO:0007783, OMIM 145600.

Allele frequency attached by ClinVar (database versions not stated): gnomAD exomes 0.00001.
gnomAD v4.1: 12 of 1,614,052 alleles (0.00074%); highest among the groups gnomAD compares: South Asian, 0.013%; no homozygotes.

Submission:

All of Us Research Program, National Institutes of Health
Classification: Uncertain significance for Malignant hyperthermia, susceptibility to, 1. Last evaluated: 2023-08-15. Review status: criteria provided, single submitter. Criteria: ACMG Guidelines, 2015. Collection method: clinical testing. Allele origin: germline. Inheritance: Autosomal dominant inheritance. Observed: 1 variant allele, 1 heterozygote.
Comment: This missense variant replaces histidine with asparagine at codon 3621 of the RYR1 protein. Computational prediction is inconclusive regarding the impact of this variant on protein structure and function (internally defined REVEL score threshold 0.5 < inconclusive < 0.7, PMID: 27666373). To our knowledge, functional studies have not been reported for this variant. This variant has not been reported in individuals affected with RYR1-related disorders in the literature. This variant has been identified in 2/251462 chromosomes in the general population by the Genome Aggregation Database (gnomAD). The available evidence is insufficient to determine the role of this variant in disease conclusively. Therefore, this variant is classified as a Variant of Uncertain Significance.

This study involves interpretation of variants in research participants for the purpose of population health screening. Participant phenotype was not available at the time of variant classification. Additional details can be found in publication PMID: 35346344, PMCID: PMC8962531

NM_000540.3(RYR1):c.10861C>A (p.His3621Asn)

Gene: RYR1 (ryanodine receptor 1; plus strand). Cytogenetic location: 19q13.2.
Variant type: single nucleotide variant.
Coding change: c.10861C>A on transcript NM_000540.3 (MANE Select); coding-DNA position 10861, C replaced by A.
Protein change: p.His3621Asn; replaces histidine 3621 with asparagine.
Molecular consequence: missense variant.
Genome position (GRCh38, 1-based): chr19:38,528,342, C>A. VCF-style: chr19-38528342-C-A. GRCh37 (hg19) VCF-style: chr19-39018982-C-A.
Other names: c.10846C>A, p.His3616Asn (NM_001042723.2); short protein forms H3616N, H3621N.
Identifiers: ClinVar variation 3072781 (VCV003072781.1), dbSNP rs781014006, ClinGen allele CA405649392.
Genomic context (GRCh38, chr19:38,528,342, plus strand): 5'-ACTGTCCTGCTATCCCCTCCCCAGACCGAGCACCCTTACAAGTCTAAGAAGGCCGTGTGG[C>A]ACAAGCTTTTGTCCAAACAGCGCCGGCGGGCAGTCGTGGCCTGTTTCCGTATGACGCCCC-3'
Protein context (NP_000531.2, residues 3611-3631): HPYKSKKAVW[His3621Asn]KLLSKQRRRA